The following is an entry in ClinVar:

ClinVar aggregate classification (germline): Uncertain significance. Review status: criteria provided, multiple submitters, no conflicts (2 of 4 stars). 2 submissions from 2 submitters: Uncertain significance (2). Last evaluated 2024-05-30.

Allele frequency attached by ClinVar (database versions not stated): gnomAD exomes 0.00002; ESP Exome Variant Server 0.00023; TOPMed 0.00023; gnomAD 0.00025; ExAC 0.00031.
gnomAD v4.1: 63 of 1,563,732 alleles (0.004%); highest among the groups gnomAD compares: African/African-American, 0.077%; no homozygotes.

Submissions (2):

Ambry Genetics
Classification: Uncertain significance. Last evaluated: 2024-05-30. Review status: criteria provided, single submitter. Criteria: Ambry Variant Classification Scheme 2023. Collection method: clinical testing. Allele origin: germline.

Labcorp Genetics (formerly Invitae), Labcorp
Classification: Uncertain significance. Last evaluated: 2023-08-04. Review status: criteria provided, single submitter. Criteria: Invitae Variant Classification Sherloc (09022015). Collection method: clinical testing. Allele origin: germline.
Comment: This sequence change replaces lysine, which is basic and polar, with glutamic acid, which is acidic and polar, at codon 165 of the NDUFB10 protein (p.Lys165Glu). This variant is present in population databases (rs141166307, gnomAD 0.1%), and has an allele count higher than expected for a pathogenic variant. This variant has not been reported in the literature in individuals affected with NDUFB10-related conditions. ClinVar contains an entry for this variant (Variation ID: 2181681). An algorithm developed to predict the effect of missense changes on protein structure and function (PolyPhen-2) suggests that this variant is likely to be tolerated. In summary, the available evidence is currently insufficient to determine the role of this variant in disease. Therefore, it has been classified as a Variant of Uncertain Significance.

NM_004548.3(NDUFB10):c.493A>G (p.Lys165Glu)

Gene: NDUFB10 (NADH:ubiquinone oxidoreductase subunit B10; plus strand). Cytogenetic location: 16p13.3.
Variant type: single nucleotide variant.
Coding change: c.493A>G on transcript NM_004548.3 (MANE Select); coding-DNA position 493, A replaced by G.
Protein change: p.Lys165Glu; replaces lysine 165 with glutamic acid.
Molecular consequence: missense variant.
Genome position (GRCh38, 1-based): chr16:1,961,880, A>G. VCF-style: chr16-1961880-A-G. GRCh37 (hg19) VCF-style: chr16-2011881-A-G.
Other names: c.493A>G (NM_004548.2); short protein forms K165E.
Identifiers: ClinVar variation 2181681 (VCV002181681.5), dbSNP rs141166307, ClinGen allele CA7823410.